The following is an entry in ClinVar:

NM_000286.3(PEX12):c.932G>A (p.Arg311Gln)

Gene: PEX12 (peroxisomal biogenesis factor 12; minus strand). Cytogenetic location: 17q12.
Variant type: single nucleotide variant.
Coding change: c.932G>A on transcript NM_000286.3 (MANE Select); coding-DNA position 932, G replaced by A.
Protein change: p.Arg311Gln; replaces arginine 311 with glutamine.
Molecular consequence: missense variant.
Genome position (GRCh38, 1-based): chr17:35,575,930, C>T on the plus strand (G>A on the coding strand, the complement: PEX12 is on the minus strand). VCF-style: chr17-35575930-C-T. GRCh37 (hg19) VCF-style: chr17-33902949-C-T.
Other names: c.932G>A (NM_000286.2); short protein forms R311Q.
Identifiers: ClinVar variation 1397633 (VCV001397633.8), dbSNP rs780595864, ClinGen allele CA8504816.
Genomic context (GRCh38, chr17:35,575,930, plus strand): 5'-TGAAACACACAGCGGTAACAAAACACATAGCCAGAGGTGGCAAGAACAGTATCATTCACC[C>T]GGGTTTTACGACACAGTGGGCACACAGTCTTCATTTTGGGTAAGAGGGGAGAATCAGAGT-3'
Protein context (NP_000277.1, residues 301-321): KTVCPLCRKT[Arg311Gln]VNDTVLATSG

ClinVar aggregate classification (germline): Uncertain significance. Review status: criteria provided, multiple submitters, no conflicts (2 of 4 stars). 3 submissions from 3 submitters: Uncertain significance (3). Last evaluated 2025-07-07.

Conditions:
PEX12-related disorder. Also called: PEX12-related condition; PEX12-related disorders.
Peroxisome biogenesis disorder 3A (Zellweger). Also called: PEROXISOMAL BIOGENESIS DISORDER 3A (ZELLWEGER); Peroxisome biogenesis disorder 3A. Identifiers: Orphanet 912, MedGen C3553929, MONDO:0013927, OMIM 614859.

Allele frequency attached by ClinVar (database versions not stated): ExAC 0.00002; gnomAD 0.00002; gnomAD exomes 0.00002 and 0.00003; TOPMed 0.00003.

Submissions (3):

Labcorp Genetics (formerly Invitae), Labcorp
Classification: Uncertain significance for Peroxisome biogenesis disorder 3A (Zellweger). Last evaluated: 2025-07-07. Review status: criteria provided, single submitter. Criteria: Invitae Variant Classification Sherloc (09022015). Collection method: clinical testing. Allele origin: germline.
Comment: This sequence change replaces arginine, which is basic and polar, with glutamine, which is neutral and polar, at codon 311 of the PEX12 protein (p.Arg311Gln). This variant is present in population databases (rs780595864, gnomAD 0.02%). This variant has not been reported in the literature in individuals affected with PEX12-related conditions. ClinVar contains an entry for this variant (Variation ID: 1397633). Invitae Evidence Modeling of protein sequence and biophysical properties (such as structural, functional, and spatial information, amino acid conservation, physicochemical variation, residue mobility, and thermodynamic stability) indicates that this missense variant is expected to disrupt PEX12 protein function with a positive predictive value of 80%. Algorithms developed to predict the effect of sequence changes on RNA splicing suggest that this variant may create or strengthen a splice site. In summary, the available evidence is currently insufficient to determine the role of this variant in disease. Therefore, it has been classified as a Variant of Uncertain Significance.

GeneDx
Classification: Uncertain significance. Last evaluated: 2024-12-18. Review status: criteria provided, single submitter. Criteria: GeneDx Variant Classification Process June 2021. Collection method: clinical testing. Allele origin: germline. Affected: yes.
Comment: In silico analysis indicates that this missense variant does not alter protein structure/function; Has not been previously published as pathogenic or benign to our knowledge

PreventionGenetics, part of Exact Sciences
Classification: Uncertain significance for PEX12-related condition. Last evaluated: 2024-12-17. Review status: criteria provided, single submitter. Criteria: ACMG Guidelines, 2015. Collection method: clinical testing. Allele origin: germline.
Comment: The PEX12 c.932G>A variant is predicted to result in the amino acid substitution p.Arg311Gln. To our knowledge, this variant has not been reported in the literature. This variant is reported in 0.016% of alleles in individuals of East Asian descent in gnomAD. At this time, the clinical significance of this variant is uncertain due to the absence of conclusive functional and genetic evidence.